The following is an entry in ClinVar:

NM_000350.3(ABCA4):c.4947del (p.Glu1650fs)

Genes: ABCA4 (ATP binding cassette subfamily A member 4; minus strand), LOC126805793 (CDK7 strongly-dependent group 2 enhancer GRCh37_chr1:94486302-94487501; plus strand). Cytogenetic location: 1p22.1.
Variant type: Deletion.
Coding change: c.4947del on transcript NM_000350.3 (MANE Select); coding-DNA position 4947, one base deleted (C; older notation c.4947delC).
Protein change: p.Glu1650fs; shifts the reading frame from glutamic acid 1650.
Molecular consequence: frameshift variant.
Genome position (GRCh38, 1-based): chr1:94,021,311, G deleted on the plus strand (C on the coding strand, the reverse complement: ABCA4 is on the minus strand); the first of 4 consecutive G bases (chr1:94,021,311-94,021,314); deleting any one gives the same sequence. VCF-style (leftmost placement, unchanged base first): chr1-94021310-CG-C. GRCh37 (hg19) VCF-style: chr1-94486866-CG-C.
Other names: c.4722delC, p.Glu1576Argfs (NM_001425324.1); c.4944delC (NM_000350.2); short protein forms E1650fs.
Identifiers: ClinVar variation 289420 (VCV000289420.16), dbSNP rs61750159, ClinGen allele CA227257.

ClinVar aggregate classification (germline): Pathogenic. Review status: criteria provided, multiple submitters, no conflicts (2 of 4 stars). 4 submissions from 4 submitters: Pathogenic (3). 1 of the submissions does not count toward it. Last evaluated 2025-10-13.

Conditions:
ABCA4-related disorder. Also called: ABCA4-related condition; ABCA4-related disorders. Identifiers: MedGen CN239167.

Submissions (4):

PreventionGenetics, part of Exact Sciences
Classification: Pathogenic for ABCA4-related condition. Last evaluated: 2025-10-13. Review status: criteria provided, single submitter. Criteria: ACMG Guidelines, 2015. Collection method: clinical testing. Allele origin: germline.
Comment: The ABCA4 c.4947delC variant is predicted to result in a frameshift and premature protein termination (p.Glu1650Argfs*12). This variant has been reported in multiple individuals with retinal disease (see for examples: Table S2A, Cornelis et al. 2022. PubMed ID: 35120629; Bianco et al. 2023. PubMed ID: 37498587; Table S3, Mihalich et al. 2024. PubMed ID: 38927702). This variant is absent in a large population database (gnomAD), indicating this variant is rare. Frameshift variants in ABCA4 are an established mechanism of disease. Given the evidence, we interpret this variant as pathogenic.

Labcorp Genetics (formerly Invitae), Labcorp
Classification: Pathogenic. Last evaluated: 2023-08-17. Review status: criteria provided, single submitter. Criteria: Invitae Variant Classification Sherloc (09022015). Collection method: clinical testing. Allele origin: germline.
Comment: For these reasons, this variant has been classified as Pathogenic. Algorithms developed to predict the effect of sequence changes on RNA splicing suggest that this variant may disrupt the consensus splice site. ClinVar contains an entry for this variant (Variation ID: 289420). This premature translational stop signal has been observed in individual(s) with ABCA4-related conditions (PMID: 9973280, 11726554). This variant is not present in population databases (gnomAD no frequency). This sequence change creates a premature translational stop signal (p.Glu1650Argfs*12) in the ABCA4 gene. It is expected to result in an absent or disrupted protein product. Loss-of-function variants in ABCA4 are known to be pathogenic (PMID: 10958761, 24938718, 25312043, 26780318).

Eurofins Ntd Llc (ga)
Classification: Pathogenic. Last evaluated: 2016-08-03. Review status: criteria provided, single submitter. Criteria: EGL Classification Definitions 2015. Collection method: clinical testing. Allele origin: germline. Observed: 2 variant alleles, 2 heterozygotes.

Retina International
No classification provided. Review status: no classification provided. Collection method: not provided. Allele origin: not provided. Not counted in ClinVar's aggregate classification.

Literature cited by the submitters: PubMed 9973280 (cited by Labcorp Genetics (formerly Invitae), Labcorp); PubMed 11726554 (cited by Labcorp Genetics (formerly Invitae), Labcorp and Eurofins Ntd Llc (ga)); PubMed 10958761 (cited by Labcorp Genetics (formerly Invitae), Labcorp); PubMed 24938718 (cited by Labcorp Genetics (formerly Invitae), Labcorp); PubMed 25312043 (cited by Labcorp Genetics (formerly Invitae), Labcorp); PubMed 26780318 (cited by Labcorp Genetics (formerly Invitae), Labcorp); PubMed 9054934 (cited by Eurofins Ntd Llc (ga)).